The following is an entry in ClinVar:

NM_014141.6(CNTNAP2):c.3887A>G (p.Asn1296Ser)

Gene: CNTNAP2 (contactin associated protein 2; plus strand). Cytogenetic location: 7q36.1.
Variant type: single nucleotide variant.
Coding change: c.3887A>G on transcript NM_014141.6 (MANE Select); coding-DNA position 3887, A replaced by G.
Protein change: p.Asn1296Ser; replaces asparagine 1296 with serine.
Molecular consequence: missense variant.
Genome position (GRCh38, 1-based): chr7:148,415,507, A>G. VCF-style: chr7-148415507-A-G. GRCh37 (hg19) VCF-style: chr7-148112599-A-G.
Other names: short protein forms N1296S.
Identifiers: ClinVar variation 959522 (VCV000959522.10), dbSNP rs1799962504, ClinGen allele CA369706827.

ClinVar aggregate classification (germline): Uncertain significance (1 of 4 stars; one submission).

Conditions:
Cortical dysplasia-focal epilepsy syndrome (PTHSL1). Also called: Pitt-Hopkins-like syndrome 1. Identifiers: Orphanet 163681, Orphanet 221150, MedGen C2750246, MONDO:0012400, OMIM 610042.

Allele frequency attached by ClinVar (database versions not stated): TOPMed below 0.00001.

Submission:

Labcorp Genetics (formerly Invitae), Labcorp
Classification: Uncertain significance for Cortical dysplasia-focal epilepsy syndrome. Last evaluated: 2021-02-24. Review status: criteria provided, single submitter. Criteria: Invitae Variant Classification Sherloc (09022015). Collection method: clinical testing. Allele origin: germline.
Comment: In summary, the available evidence is currently insufficient to determine the role of this variant in disease. Therefore, it has been classified as a Variant of Uncertain Significance. Algorithms developed to predict the effect of sequence changes on RNA splicing suggest that this variant may create or strengthen a splice site, but this prediction has not been confirmed by published transcriptional studies. Algorithms developed to predict the effect of missense changes on protein structure and function are either unavailable or do not agree on the potential impact of this missense change (SIFT: "Deleterious"; PolyPhen-2: "Benign"; Align-GVGD: "Class C15"). This variant has not been reported in the literature in individuals with CNTNAP2-related conditions. This variant is not present in population databases (ExAC no frequency). This sequence change replaces asparagine with serine at codon 1296 of the CNTNAP2 protein (p.Asn1296Ser). The asparagine residue is highly conserved and there is a small physicochemical difference between asparagine and serine.